The following is an entry in ClinVar:

NM_000044.6(AR):c.2197G>A (p.Asp733Asn)

Gene: AR (androgen receptor; plus strand). Cytogenetic location: Xq12.
Variant type: single nucleotide variant.
Coding change: c.2197G>A on transcript NM_000044.6 (MANE Select); coding-DNA position 2197, G replaced by A.
Protein change: p.Asp733Asn; replaces aspartic acid 733 with asparagine.
Molecular consequence: missense variant.
Genome position (GRCh38, 1-based): chrX:67,717,501, G>A. VCF-style: chrX-67717501-G-A. GRCh37 (hg19) VCF-style: chrX-66937343-G-A.
Other names: c.601G>A, p.Asp201Asn (NM_001011645.3); short protein forms D201N, D733N.
Identifiers: ClinVar variation 1338469 (VCV001338469.8), dbSNP rs2147530668, ClinGen allele CA413424370.
Genomic context (GRCh38, chrX:67,717,501, plus strand): 5'-CCCAGACTGACCACTGCCTCTGCCTCTTCTTCTCCAGGCTTCCGCAACTTACACGTGGAC[G>A]ACCAGATGGCTGTCATTCAGTACTCCTGGATGGGGCTCATGGTGTTTGCCATGGGCTGGC-3'
Protein context (NP_000035.2, residues 723-743): LPGFRNLHVD[Asp733Asn]QMAVIQYSWM

ClinVar aggregate classification (germline): Pathogenic/Likely pathogenic. Review status: criteria provided, multiple submitters, no conflicts (2 of 4 stars). 2 submissions from 2 submitters: Pathogenic (1); Likely pathogenic (1). Last evaluated 2022-02-11.

Conditions:
Kennedy disease (SMAX1). Also called: SPINAL AND BULBAR MUSCULAR ATROPHY, X-LINKED 1; KENNEDY SPINAL AND BULBAR MUSCULAR ATROPHY; Spinal and Bulbar Muscular Atrophy. Identifiers: Orphanet 481, MedGen C1839259, MONDO:0010735, OMIM 313200.
Androgen resistance syndrome (AIS). Also called: Androgen insensitivity, complete; ANDROGEN RECEPTOR DEFICIENCY; DIHYDROTESTOSTERONE RECEPTOR DEFICIENCY; Androgen insensitivity syndrome due to coactivator deficiency; Androgen insensitivity; TESTICULAR FEMINIZATION SYNDROME. Identifiers: Orphanet 754, Orphanet 99429, MedGen C0039585, MONDO:0019154, OMIM 300068. Disease mechanism: loss of function.

Submissions (2):

Labcorp Genetics (formerly Invitae), Labcorp
Classification: Pathogenic for Kennedy disease; Androgen resistance syndrome. Last evaluated: 2022-02-11. Review status: criteria provided, single submitter. Criteria: Invitae Variant Classification Sherloc (09022015). Collection method: clinical testing. Allele origin: germline.
Comment: Algorithms developed to predict the effect of missense changes on protein structure and function are either unavailable or do not agree on the potential impact of this missense change (SIFT: "Tolerated"; PolyPhen-2: "Probably Damaging"; Align-GVGD: "Class C0"). For these reasons, this variant has been classified as Pathogenic. This missense change has been observed in individual(s) with androgen insensitivity Syndrome (PMID: 22334387). This variant is not present in population databases (gnomAD no frequency). This sequence change replaces aspartic acid, which is acidic and polar, with asparagine, which is neutral and polar, at codon 733 of the AR protein (p.Asp733Asn).

Genetic Services Laboratory, University of Chicago
Classification: Likely pathogenic. Last evaluated: 2018-12-13. Review status: criteria provided, single submitter. Criteria: ACMG Guidelines, 2015. Collection method: clinical testing. Allele origin: germline. Affected: yes.
Comment: DNA sequence analysis of the AR gene demonstrated a sequence change, c.2197G>A, in exon 5 that results in an amino acid change, p.Asp733Asn. This sequence change is absent from population databases (gnomAD and EXAC). The p.Asp733Asn change affects a highly conserved amino acid residue located in a domain of the AR protein that is known to be functional. In-silico pathogenicity prediction tools (SIFT, PolyPhen2, Align GVGD, REVEL) provide contradictory results for the p.Asp733Asn substitution. This sequence change has been previously described in individuals affected with androgen insensitivity syndrome (Eggers S et al., 2016; Hannema SE et al., 2004). In addition, another sequence change affecting the same p.Asp733 residue (p.Asp733Tyr) has also been described in patients with androgen insensitivity syndrome (Pinskly L et al., 1992).

Literature cited by the submitters: PubMed 22334387 (cited by Labcorp Genetics (formerly Invitae), Labcorp).